The following is an entry in ClinVar:

NM_020964.3(EPG5):c.6951G>A (p.Ala2317=)

Gene: EPG5 (ectopic P-granules 5 autophagy tethering factor; minus strand). Cytogenetic location: 18q12.3.
Variant type: single nucleotide variant.
Coding change: c.6951G>A on transcript NM_020964.3 (MANE Select); coding-DNA position 6951, G replaced by A.
Protein change: p.Ala2317=; no amino-acid change (alanine 2317 retained).
Molecular consequence: synonymous variant.
Genome position (GRCh38, 1-based): chr18:45,860,162, C>T on the plus strand (G>A on the coding strand, the complement: EPG5 is on the minus strand). VCF-style: chr18-45860162-C-T. GRCh37 (hg19) VCF-style: chr18-43440127-C-T.
Other names: c.6951G>A (NM_020964.2).
Identifiers: ClinVar variation 1138664 (VCV001138664.11), dbSNP rs369725381, ClinGen allele CA8948116.

ClinVar aggregate classification (germline): Likely benign. Review status: criteria provided, multiple submitters, no conflicts (2 of 4 stars). 3 submissions from 3 submitters: Likely benign (2). 1 of the submissions does not count toward it. Last evaluated 2025-09-01.

Conditions:
EPG5-related disorder. Also called: EPG5-related condition. Identifiers: MedGen CN381528.
Vici syndrome (VICIS). Identifiers: Orphanet 1493, MedGen C1855772, MONDO:0009452, OMIM 242840.

Allele frequency attached by ClinVar (database versions not stated): gnomAD 0.00004 and 0.00009; TOPMed 0.00005; ESP Exome Variant Server 0.00008; gnomAD exomes 0.00008 and 0.00010; ExAC 0.00010; 1000 Genomes Project 30x 0.00094; 1000 Genomes Project 0.00120.
gnomAD v4.1: 140 of 1,614,162 alleles (0.0087%); highest among the groups gnomAD compares: South Asian, 0.043%; 1 homozygote.

Submissions (3):

Labcorp Genetics (formerly Invitae), Labcorp
Classification: Likely benign for Vici syndrome. Last evaluated: 2025-09-01. Review status: criteria provided, single submitter. Criteria: Invitae Variant Classification Sherloc (09022015). Collection method: clinical testing. Allele origin: germline.

Blueprint Genetics
Classification: Likely benign. Last evaluated: 2024-05-08. Review status: criteria provided, single submitter. Criteria: ACMG Guidelines, 2015. Collection method: clinical testing. Allele origin: germline.

PreventionGenetics, part of Exact Sciences
Classification: Likely benign for EPG5-related condition. Last evaluated: 2019-10-24. Review status: no assertion criteria provided. Collection method: clinical testing. Allele origin: germline. Not counted in ClinVar's aggregate classification.
Comment: This variant is classified as likely benign based on ACMG/AMP sequence variant interpretation guidelines (Richards et al. 2015 PMID: 25741868, with internal and published modifications).